The following is an entry in ClinVar:

ClinVar aggregate classification (germline): Likely benign. Review status: criteria provided, multiple submitters, no conflicts (2 of 4 stars). 2 submissions from 2 submitters: Likely benign (2). Last evaluated 2025-11-17.

Conditions:
Arrhythmogenic right ventricular cardiomyopathy (ARVD). Also called: Arrhythmogenic cardiomyopathy; Arrhythmogenic Right Ventricular Cardiomyopathy (ARVC); Cardiomyopathy, ARVC; Arrhythmogenic right ventricular dysplasia. Identifiers: Orphanet 247, MedGen C0349788, MeSH D019571, MONDO:0016587. Disease mechanism: loss of function. Inheritance: Various modes of inheritance.
Arrhythmogenic right ventricular dysplasia 10. Also called: Arrhythmogenic right ventricular dysplasia/cardiomyopathy, type 10; Arrhythmogenic Right Ventricular Dysplasia/Cardiomyopathy10; ARRHYTHMOGENIC RIGHT VENTRICULAR DYSPLASIA, FAMILIAL, 10. Identifiers: MedGen C1857777, MONDO:0012434, OMIM 610193.

Allele frequency attached by ClinVar (database versions not stated): ExAC 0.00001; gnomAD exomes 0.00001; TOPMed 0.00001.
gnomAD v4.1: 6 of 1,614,198 alleles (0.00037%); highest among the groups gnomAD compares: Admixed American, 0.0083%; no homozygotes.

Submissions (2):

Labcorp Genetics (formerly Invitae), Labcorp
Classification: Likely benign for Arrhythmogenic right ventricular dysplasia 10. Last evaluated: 2025-11-17. Review status: criteria provided, single submitter. Criteria: Invitae Variant Classification Sherloc (09022015). Collection method: clinical testing. Allele origin: germline.

All of Us Research Program, National Institutes of Health
Classification: Likely benign for Arrhythmogenic right ventricular cardiomyopathy. Last evaluated: 2023-10-06. Review status: criteria provided, single submitter. Criteria: ACMG Guidelines, 2015. Collection method: clinical testing. Allele origin: germline. Inheritance: Autosomal dominant inheritance. Observed: 1 variant allele, 1 heterozygote.
Comment: This study involves interpretation of variants in research participants for the purpose of population health screening. Participant phenotype was not available at the time of variant classification. Additional details can be found in publication PMID: 35346344, PMCID: PMC8962531

NM_001943.5(DSG2):c.942A>G (p.Ser314=)

Gene: DSG2 (desmoglein 2; plus strand). Cytogenetic location: 18q12.1.
Variant type: single nucleotide variant.
Coding change: c.942A>G on transcript NM_001943.5 (MANE Select); coding-DNA position 942, A replaced by G.
Protein change: p.Ser314=; no amino-acid change (serine 314 retained).
Molecular consequence: synonymous variant.
Genome position (GRCh38, 1-based): chr18:31,524,816, A>G. VCF-style: chr18-31524816-A-G. GRCh37 (hg19) VCF-style: chr18-29104779-A-G.
Other names: c.942A>G (LRG_397t1).
Identifiers: ClinVar variation 534688 (VCV000534688.9), dbSNP rs780279875, ClinGen allele CA050500.